The following is an entry in ClinVar:

NM_016239.4(MYO15A):c.4526T>C (p.Ile1509Thr)

Gene: MYO15A (myosin XVA; plus strand). Cytogenetic location: 17p11.2.
Variant type: single nucleotide variant.
Coding change: c.4526T>C on transcript NM_016239.4 (MANE Select); coding-DNA position 4526, T replaced by C.
Protein change: p.Ile1509Thr; replaces isoleucine 1509 with threonine.
Molecular consequence: missense variant.
Genome position (GRCh38, 1-based): chr17:18,135,754, T>C. VCF-style: chr17-18135754-T-C. GRCh37 (hg19) VCF-style: chr17-18039068-T-C.
Other names: short protein forms I1509T.
Identifiers: ClinVar variation 1315250 (VCV001315250.7), dbSNP rs757305597, ClinGen allele CA8423926.

ClinVar aggregate classification (germline): Conflicting classifications of pathogenicity. Review status: criteria provided, conflicting classifications (1 of 4 stars). 3 submissions from 3 submitters: Uncertain significance (2); Likely benign (1). Last evaluated 2024-12-26.

Allele frequency attached by ClinVar (database versions not stated): gnomAD exomes 0.00003 and 0.00005; ExAC 0.00006.
gnomAD v4.1: 41 of 1,614,180 alleles (0.0025%); highest among the groups gnomAD compares: South Asian, 0.045%; no homozygotes.

Submissions (3):

GeneDx
Classification: Uncertain significance. Last evaluated: 2024-12-26. Review status: criteria provided, single submitter. Criteria: GeneDx Variant Classification Process June 2021. Collection method: clinical testing. Allele origin: germline. Affected: yes.
Comment: In silico analysis supports that this missense variant has a deleterious effect on protein structure/function; This variant is associated with the following publications: (PMID: 34515852)

Labcorp Genetics (formerly Invitae), Labcorp
Classification: Likely benign. Last evaluated: 2023-05-24. Review status: criteria provided, single submitter. Criteria: Invitae Variant Classification Sherloc (09022015). Collection method: clinical testing. Allele origin: germline.

Blueprint Genetics
Classification: Uncertain significance. Last evaluated: 2021-08-04. Review status: criteria provided, single submitter. Criteria: ACMG Guidelines, 2015. Collection method: clinical testing. Allele origin: germline.